The following is an entry in ClinVar:

NM_177438.3(DICER1):c.3105A>G (p.Pro1035=)

Gene: DICER1 (dicer 1, ribonuclease III; minus strand). Cytogenetic location: 14q32.13.
Variant type: single nucleotide variant.
Coding change: c.3105A>G on transcript NM_177438.3 (MANE Select); coding-DNA position 3105, A replaced by G.
Protein change: p.Pro1035=; no amino-acid change (proline 1035 retained).
Molecular consequence: synonymous variant.
Genome position (GRCh38, 1-based): chr14:95,105,235, T>C on the plus strand (A>G on the coding strand, the complement: DICER1 is on the minus strand). VCF-style: chr14-95105235-T-C. GRCh37 (hg19) VCF-style: chr14-95571572-T-C.
Other names: c.3105A>G, p.Pro1035= (NM_001195573.1, NM_001271282.3, NM_001291628.2 and 1 more transcripts); c.3105A>G (NM_177438.2).
Identifiers: ClinVar variation 1095762 (VCV001095762.18), dbSNP rs2139988424, ClinGen allele CA487626970.
Genomic context (GRCh38, chr14:95,105,235, plus strand): 5'-GGGGAGACAAACAGCTTTTCTCCACAGTGATGCTGGAATTGGATGTATAGCACAGAGTTC[T>C]GGAACCAGTATCTTCAAGTAAGGGGAAAAATGGACAGATAAATACAAAGCGCACACACAA-3'
Protein context (NP_803187.1, residues 1025-1045): ESLQNKQILV[Pro1035=]ELCAIHPIPA

ClinVar aggregate classification (germline): Benign/Likely benign. Review status: criteria provided, multiple submitters, no conflicts (2 of 4 stars). 4 submissions from 4 submitters: Benign (1); Likely benign (3). Last evaluated 2026-04-17.

Conditions:
DICER1-related tumor predisposition. Also called: DICER1-related pleuropulmonary blastoma cancer predisposition syndrome; DICER1 syndrome. Identifiers: Orphanet 284343, MedGen C3839822, MONDO:0100216.
Hereditary cancer-predisposing syndrome. Also called: Neoplastic Syndromes, Hereditary; Tumor predisposition; Hereditary neoplastic syndrome; Hereditary Cancer Syndrome. Identifiers: Orphanet 140162, MedGen C0027672, MeSH D009386, MONDO:0015356.

Submissions (4):

Myriad Genetics, Inc.
Classification: Benign for DICER1-related tumor predisposition. Last evaluated: 2026-04-17. Review status: criteria provided, single submitter. Criteria: Myriad Autosomal Dominant, Autosomal Recessive and X-Linked Classification Criteria (2023). Collection method: clinical testing. Allele origin: unknown.
Comment: This variant is considered benign. This variant is a silent/synonymous amino acid change and it is not expected to impact splicing.

Ambry Genetics
Classification: Likely benign for Hereditary cancer-predisposing syndrome. Last evaluated: 2025-10-13. Review status: criteria provided, single submitter. Criteria: Ambry Variant Classification Scheme 2023. Collection method: clinical testing. Allele origin: germline.

CeGaT Center for Human Genetics Tuebingen
Classification: Likely benign. Last evaluated: 2025-08-01. Review status: criteria provided, single submitter. Criteria: CeGaT Center For Human Genetics Tuebingen Variant Classification Criteria Version 2. Collection method: clinical testing. Allele origin: germline. Affected: yes. Observed: 1 variant allele.
Comment: DICER1: PM2:Supporting, BP4, BP7

Labcorp Genetics (formerly Invitae), Labcorp
Classification: Likely benign for DICER1-related tumor predisposition. Last evaluated: 2025-05-04. Review status: criteria provided, single submitter. Criteria: Invitae Variant Classification Sherloc (09022015). Collection method: clinical testing. Allele origin: germline.